The following is an entry in ClinVar:

ClinVar aggregate classification (germline): Uncertain significance. Review status: criteria provided, multiple submitters, no conflicts (2 of 4 stars). 2 submissions from 2 submitters: Uncertain significance (2). Last evaluated 2026-06-25.

Conditions:
Dyskeratosis congenita. Identifiers: Orphanet 1775, MedGen C0265965, MONDO:0015780.
Dyskeratosis congenita, autosomal dominant 2. Identifiers: MedGen C3151443, MONDO:0013521, OMIM 613989.
Idiopathic Pulmonary Fibrosis. Also called: Idiopathic fibrosing alveolitis, chronic form; idiopathic fibrosing alveolitis. Identifiers: Orphanet 2032, MedGen C1800706, MeSH D054990, MONDO:0800504.

Submissions (2):

Ambry Genetics
Classification: Uncertain significance for Dyskeratosis congenita. Last evaluated: 2026-06-25. Review status: criteria provided, single submitter. Criteria: Ambry Variant Classification Scheme 2023. Collection method: clinical testing. Allele origin: germline.
Comment: The c.913_914delGCinsTT variant, located in coding exon 2 of the TERT gene, results from an in-frame deletion of GC and insertion of TT at nucleotide positions 913 to 914. This results in the substitution of the alanine residue for a leucine residue at codon 305, an amino acid with similar properties. This amino acid position is not well conserved in available vertebrate species. In addition, this variant is predicted to be neutral by in silico analysis (Choi Y et al. PLoS ONE. 2012; 7(10):e46688). Based on the available evidence, the clinical significance of this variant remains unclear.

Labcorp Genetics (formerly Invitae), Labcorp
Classification: Uncertain significance for Dyskeratosis congenita, autosomal dominant 2; Idiopathic Pulmonary Fibrosis. Last evaluated: 2021-07-01. Review status: criteria provided, single submitter. Criteria: Invitae Variant Classification Sherloc (09022015). Collection method: clinical testing. Allele origin: germline.
Comment: Algorithms developed to predict the effect of missense changes on protein structure and function are either unavailable or do not agree on the potential impact of this missense change (SIFT: "Not Available"; PolyPhen-2: "Benign"; Align-GVGD: "Not Available"). In summary, the available evidence is currently insufficient to determine the role of this variant in disease. Therefore, it has been classified as a Variant of Uncertain Significance. This variant has not been reported in the literature in individuals affected with TERT-related conditions. This sequence change replaces alanine with leucine at codon 305 of the TERT protein (p.Ala305Leu). The alanine residue is weakly conserved and there is a moderate physicochemical difference between alanine and leucine. The frequency data for this variant in the population databases is not available, as this variant may be reported as separate entries in the ExAC database.

NM_198253.3(TERT):c.913_914delinsTT (p.Ala305Leu)

Gene: TERT (telomerase reverse transcriptase; minus strand). Cytogenetic location: 5p15.33.
Variant type: Indel.
Coding change: c.913_914delinsTT on transcript NM_198253.3 (MANE Select); coding-DNA positions 913 to 914, GC replaced by TT.
Protein change: p.Ala305Leu; replaces alanine 305 with leucine.
Molecular consequence: missense variant. On other transcripts: non-coding transcript variant (2).
Genome position (GRCh38, 1-based): chr5:1,293,972-1,293,973, GC replaced by AA on the plus strand (GC replaced by TT on the coding strand, the reverse complement: TERT is on the minus strand). VCF-style: chr5-1293972-GC-AA. GRCh37 (hg19) VCF-style: chr5-1294087-GC-AA.
Other names: c.913_914delinsTT, p.Ala305Leu (NM_001193376.3); c.913_914delGCinsTT (NM_198253.2); short protein forms A305L.
Identifiers: ClinVar variation 1517397 (VCV001517397.7), dbSNP rs2126686969, ClinGen allele CA2573138413.